The following is an entry in ClinVar:

NM_001080449.3(DNA2):c.1037C>T (p.Ala346Val)

Gene: DNA2 (DNA replication helicase/nuclease 2; minus strand). Cytogenetic location: 10q21.3.
Variant type: single nucleotide variant.
Coding change: c.1037C>T on transcript NM_001080449.3 (MANE Select); coding-DNA position 1037, C replaced by T.
Protein change: p.Ala346Val; replaces alanine 346 with valine.
Molecular consequence: missense variant. On other transcripts: non-coding transcript variant (1).
Genome position (GRCh38, 1-based): chr10:68,446,316, G>A on the plus strand (C>T on the coding strand, the complement: DNA2 is on the minus strand). VCF-style: chr10-68446316-G-A. GRCh37 (hg19) VCF-style: chr10-70206073-G-A.
Other names: c.1037C>T (NM_001080449.2); short protein forms A346V.
Identifiers: ClinVar variation 1348267 (VCV001348267.7), dbSNP rs993656120, ClinGen allele CA208214619.

ClinVar aggregate classification (germline): Uncertain significance. Review status: criteria provided, multiple submitters, no conflicts (2 of 4 stars). 2 submissions from 2 submitters: Uncertain significance (2). Last evaluated 2026-01-17.

Conditions:
Inborn genetic diseases. Identifiers: MedGen C0950123, MeSH D030342.

Allele frequency attached by ClinVar (database versions not stated): gnomAD exomes below 0.00001; TOPMed 0.00001.
gnomAD v4.1: 6 of 1,586,736 alleles (0.00038%); highest among the groups gnomAD compares: Admixed American, 0.009%; no homozygotes.

Submissions (2):

Labcorp Genetics (formerly Invitae), Labcorp
Classification: Uncertain significance. Last evaluated: 2026-01-17. Review status: criteria provided, single submitter. Criteria: Invitae Variant Classification Sherloc (09022015). Collection method: clinical testing. Allele origin: germline.
Comment: This sequence change replaces alanine, which is neutral and non-polar, with valine, which is neutral and non-polar, at codon 346 of the DNA2 protein (p.Ala346Val). The frequency data for this variant in the population databases is considered unreliable, as metrics indicate poor data quality at this position in the gnomAD database. This variant has not been reported in the literature in individuals affected with DNA2-related conditions. ClinVar contains an entry for this variant (Variation ID: 1348267). Invitae Evidence Modeling of protein sequence and biophysical properties (such as structural, functional, and spatial information, amino acid conservation, physicochemical variation, residue mobility, and thermodynamic stability) indicates that this missense variant is not expected to disrupt DNA2 protein function with a negative predictive value of 80%. In summary, the available evidence is currently insufficient to determine the role of this variant in disease. Therefore, it has been classified as a Variant of Uncertain Significance.

Ambry Genetics
Classification: Uncertain significance for Inborn genetic diseases. Last evaluated: 2024-11-13. Review status: criteria provided, single submitter. Criteria: Ambry Variant Classification Scheme 2023. Collection method: clinical testing. Allele origin: germline.